The following is an entry in ClinVar:

ClinVar aggregate classification (germline): Uncertain significance (1 of 4 stars; one submission).

Submission:

Labcorp Genetics (formerly Invitae), Labcorp
Classification: Uncertain significance. Last evaluated: 2025-01-27. Review status: criteria provided, single submitter. Criteria: Invitae Variant Classification Sherloc (09022015). Collection method: clinical testing. Allele origin: germline.
Comment: This sequence change falls in intron 5 of the IKZF1 gene. It does not directly change the encoded amino acid sequence of the IKZF1 protein. It affects a nucleotide within the consensus splice site. This variant is not present in population databases (gnomAD no frequency). This variant has not been reported in the literature in individuals affected with IKZF1-related conditions. Variants that disrupt the consensus splice site are a relatively common cause of aberrant splicing (PMID: 17576681, 9536098). Algorithms developed to predict the effect of sequence changes on RNA splicing suggest that this variant is not likely to affect RNA splicing. In summary, the available evidence is currently insufficient to determine the role of this variant in disease. Therefore, it has been classified as a Variant of Uncertain Significance.

Literature cited by the submitters: PubMed 17576681; PubMed 9536098.

NM_006060.6(IKZF1):c.590-3C>T

Gene: IKZF1 (IKAROS family zinc finger 1; plus strand). Cytogenetic location: 7p12.2.
Variant type: single nucleotide variant.
Coding change: c.590-3C>T on transcript NM_006060.6 (MANE Select); 3 bases into the intron before coding-DNA position 590, C replaced by T.
Molecular consequence: intron variant.
Genome position (GRCh38, 1-based): chr7:50,387,342, C>T. VCF-style: chr7-50387342-C-T. GRCh37 (hg19) VCF-style: chr7-50455040-C-T.
Other names: c.161-12576C>T (NM_001291840.1); c.329-3C>T (NM_001220767.2, NM_001291838.2); c.329-4387C>T (NM_001220770.2, NM_001291839.2); c.161-3C>T (NM_001291841.1, NM_001291842.1); c.161-4387C>T (NM_001291843.1, NM_001291844.1); c.650-3C>T (NM_001410879.1); c.590-4387C>T (NM_001220765.3, NM_001291837.2); c.589+4635C>T (NM_001220768.2); and 1 more.
Identifiers: ClinVar variation 3727809 (VCV003727809.2).
Genomic context (GRCh38, chr7:50,387,342, plus strand): 5'-ATTCCCCTTACACAGAAGGCTGGCATTTAATTGGGGTCTTGAACTCAATTGTGTTTTCTG[C>T]AGTTGGTAAACCTCACAAATGTGGATATTGTGGCCGAAGCTATAAACAGCGAAGCTCTTT-3'